The following is an entry in ClinVar:

NM_031935.3(HMCN1):c.6029-11G>T

Gene: HMCN1 (hemicentin 1; plus strand). Cytogenetic location: 1q31.1.
Variant type: single nucleotide variant.
Coding change: c.6029-11G>T on transcript NM_031935.3 (MANE Select); 11 bases into the intron before coding-DNA position 6029, G replaced by T.
Molecular consequence: intron variant.
Genome position (GRCh38, 1-based): chr1:186,039,717, G>T. VCF-style: chr1-186039717-G-T. GRCh37 (hg19) VCF-style: chr1-186008849-G-T.
Identifiers: ClinVar variation 294168 (VCV000294168.15), dbSNP rs10911802, ClinGen allele CA1292446.
Genomic context (GRCh38, chr1:186,039,717, plus strand): 5'-TGTAGTTTTCATCATTTGAGATCACAAATCCTGTGATATTAACGTGTCTTACTTTCATTT[G>T]TTTTTTTCAGTGGCCCCATCAATTTCTGGCAGCAATAACATGGTGGCAGTGGTGGTTAAT-3'

ClinVar aggregate classification (germline): Benign/Likely benign. Review status: criteria provided, multiple submitters, no conflicts (2 of 4 stars). 5 submissions from 5 submitters: Benign (4); Likely benign (1). Last evaluated 2026-01-21.

Conditions:
Age related macular degeneration 1 (ARMD1). Also called: MACULOPATHY, AGE-RELATED, 1. Identifiers: MedGen C1864205, MONDO:0011285, OMIM 603075.

Allele frequency attached by ClinVar (database versions not stated): gnomAD exomes 0.00068 and 0.00166; ExAC 0.00210; gnomAD 0.00638 and 0.00678; 1000 Genomes Project 0.00699; TOPMed 0.00751; 1000 Genomes Project 30x 0.00765.
gnomAD v4.1: 2,015 of 1,612,780 alleles (0.12%); highest among the groups gnomAD compares: African/African-American, 2.2%; 21 homozygotes.

Submissions (5):

Labcorp Genetics (formerly Invitae), Labcorp
Classification: Benign. Last evaluated: 2026-01-21. Review status: criteria provided, single submitter. Criteria: Invitae Variant Classification Sherloc (09022015). Collection method: clinical testing. Allele origin: germline.

Genomic Medicine Center of Excellence, King Faisal Specialist Hospital and Research Centre
Classification: Likely benign. Last evaluated: 2025-08-18. Review status: criteria provided, single submitter. Criteria: ACMG Guidelines, 2015. Collection method: clinical testing. Allele origin: germline.

Genome-Nilou Lab
Classification: Benign for Age related macular degeneration 1. Last evaluated: 2023-04-11. Review status: criteria provided, single submitter. Criteria: ACMG Guidelines, 2015. Collection method: clinical testing. Allele origin: germline. Affected: no.

Illumina Laboratory Services, Illumina
Classification: Benign for Age related macular degeneration 1. Last evaluated: 2018-01-13. Review status: criteria provided, single submitter. Criteria: ICSL Variant Classification Criteria 13 December 2019. Collection method: clinical testing. Allele origin: germline.
Comment: This variant was observed in the ICSL laboratory as part of a predisposition screen in an ostensibly healthy population. It had not been previously curated by ICSL or reported in the Human Gene Mutation Database (HGMD: prior to June 1st, 2018), and was therefore a candidate for classification through an automated scoring system. Utilizing variant allele frequency, disease prevalence and penetrance estimates, and inheritance mode, an automated score was calculated to assess if this variant is too frequent to cause the disease. Based on the score and internal cut-off values, a variant classified as benign is not then subjected to further curation. The score for this variant resulted in a classification of benign for this disease.

Breakthrough Genomics
Classification: Benign. Review status: criteria provided, single submitter. Criteria: ACMG Guidelines, 2015. Collection method: not provided. Allele origin: germline. Inheritance: Autosomal dominant inheritance. Affected: yes.